The following is an entry in ClinVar:

ClinVar aggregate classification (germline): Benign (1 of 4 stars; one submission).

Conditions:
Spinocerebellar ataxia, autosomal recessive, with axonal neuropathy 1 (SCAN1). Identifiers: Orphanet 94124, MedGen C4759870, MONDO:0011801, OMIM 607250.

Allele frequency attached by ClinVar (database versions not stated): gnomAD 0.00983 and 0.01042; 1000 Genomes Project 0.01058; TOPMed 0.01076; 1000 Genomes Project 30x 0.01327.

Submission:

Illumina Laboratory Services, Illumina
Classification: Benign for Spinocerebellar ataxia, autosomal recessive, with axonal neuropathy 1. Last evaluated: 2018-01-13. Review status: criteria provided, single submitter. Criteria: ICSL Variant Classification Criteria 13 December 2019. Collection method: clinical testing. Allele origin: germline.
Comment: This variant was observed in the ICSL laboratory as part of a predisposition screen in an ostensibly healthy population. It had not been previously curated by ICSL or reported in the Human Gene Mutation Database (HGMD: prior to June 1st, 2018), and was therefore a candidate for classification through an automated scoring system. Utilizing variant allele frequency, disease prevalence and penetrance estimates, and inheritance mode, an automated score was calculated to assess if this variant is too frequent to cause the disease. Based on the score and internal cut-off values, a variant classified as benign is not then subjected to further curation. The score for this variant resulted in a classification of benign for this disease.

NM_018319.4(TDP1):c.*799A>G

Gene: TDP1 (tyrosyl-DNA phosphodiesterase 1; plus strand). Cytogenetic location: 14q32.11.
Variant type: single nucleotide variant.
Coding change: c.*799A>G on transcript NM_018319.4 (MANE Select); 799 bases downstream of the stop codon, A replaced by G.
Molecular consequence: 3 prime UTR variant.
Genome position (GRCh38, 1-based): chr14:90,043,942, A>G. VCF-style: chr14-90043942-A-G. GRCh37 (hg19) VCF-style: chr14-90510286-A-G.
Other names: c.*799A>G (NM_001008744.2); c.*780A>G (NM_001330205.2).
Identifiers: ClinVar variation 314850 (VCV000314850.5), dbSNP rs35437984, ClinGen allele CA10641249.